The following is an entry in ClinVar:

NM_001110556.2(FLNA):c.6601C>T (p.Arg2201Cys)

Gene: FLNA (filamin A; minus strand). Cytogenetic location: Xq28.
Variant type: single nucleotide variant.
Coding change: c.6601C>T on transcript NM_001110556.2 (MANE Select); coding-DNA position 6601, C replaced by T.
Protein change: p.Arg2201Cys; replaces arginine 2201 with cysteine.
Molecular consequence: missense variant.
Genome position (GRCh38, 1-based): chrX:154,352,349, G>A on the plus strand (C>T on the coding strand, the complement: FLNA is on the minus strand). VCF-style: chrX-154352349-G-A. GRCh37 (hg19) VCF-style: chrX-153580717-G-A.
Other names: c.6577C>T, p.Arg2193Cys (NM_001456.4); short protein forms R2193C, R2201C.
Identifiers: ClinVar variation 807857 (VCV000807857.49), dbSNP rs782621818, ClinGen allele CA10560062.

ClinVar aggregate classification (germline): Conflicting classifications of pathogenicity. Review status: criteria provided, conflicting classifications (1 of 4 stars). 3 submissions from 3 submitters: Uncertain significance (2); Benign (1). Last evaluated 2025-10-18.

Conditions:
Familial thoracic aortic aneurysm and aortic dissection (TAAD). Also called: Thoracic aortic aneurysms and dissections. Identifiers: Orphanet 91387, MedGen C4707243, MONDO:0019625.
Heterotopia, periventricular, X-linked dominant (PVNH1). Also called: PERIVENTRICULAR NODULAR HETEROTOPIA 1; X-linked periventricular heterotopia; PERIVENTRICULAR NODULAR HETEROTOPIA 4; HETEROTOPIA, PERIVENTRICULAR, 1. Identifiers: Orphanet 2149, Orphanet 82004, MedGen C1848213, MONDO:0010233, OMIM 300049.
Melnick-Needles syndrome (MNS). Also called: Melnick-Needles Syndrome (FLNA-MNS); MELNICK-NEEDLES OSTEODYSPLASTY; OSTEODYSPLASTY OF MELNICK AND NEEDLES. Identifiers: Orphanet 2484, MedGen C0025237, MONDO:0010650, OMIM 309350.
Frontometaphyseal dysplasia (FMD1). Identifiers: Orphanet 1826, MedGen C0265293, MONDO:0015942.
Oto-palato-digital syndrome, type II (OPD2). Also called: FACIOPALATOOSSEOUS SYNDROME; Otopalatodigital Syndrome Type 2 (FLNA-OPD2); OPD II SYNDROME; Otopalatodigital Syndrome, Type II. Identifiers: Orphanet 669, Orphanet 90652, MedGen C1844696, MONDO:0010571, OMIM 304120.

Allele frequency attached by ClinVar (database versions not stated): ExAC 0.00001; gnomAD 0.00001; gnomAD exomes 0.00001.
gnomAD v4.1: 14 of 1,210,876 alleles (0.0012%); highest among the groups gnomAD compares: East Asian, 0.003%; no homozygotes.

Submissions (3):

Labcorp Genetics (formerly Invitae), Labcorp
Classification: Benign for Oto-palato-digital syndrome, type II; Heterotopia, periventricular, X-linked dominant; Frontometaphyseal dysplasia; Melnick-Needles syndrome. Last evaluated: 2025-10-18. Review status: criteria provided, single submitter. Criteria: Invitae Variant Classification Sherloc (09022015). Collection method: clinical testing. Allele origin: germline.

Ambry Genetics
Classification: Uncertain significance for Familial thoracic aortic aneurysm and aortic dissection. Last evaluated: 2019-07-16. Review status: criteria provided, single submitter. Criteria: Ambry Variant Classification Scheme 2023. Collection method: clinical testing. Allele origin: germline.
Comment: The p.R2193C variant (also known as c.6577C>T), located in coding exon 39 of the FLNA gene, results from a C to T substitution at nucleotide position 6577. The arginine at codon 2193 is replaced by cysteine, an amino acid with highly dissimilar properties. This amino acid position is highly conserved in available vertebrate species. In addition, this alteration is predicted to be deleterious by in silico analysis. Since supporting evidence is limited at this time, the clinical significance of this alteration remains unclear.

CeGaT Center for Human Genetics Tuebingen
Classification: Uncertain significance. Last evaluated: 2019-03-01. Review status: criteria provided, single submitter. Criteria: CeGaT Center For Human Genetics Tuebingen Variant Classification Criteria Version 2. Collection method: clinical testing. Allele origin: germline. Affected: yes. Observed: 2 variant alleles.